The following is an entry in ClinVar:

NM_005732.4(RAD50):c.452_453dup (p.Asn152Ter)

Gene: RAD50 (RAD50 double strand break repair protein; plus strand). Cytogenetic location: 5q31.1.
Variant type: Duplication.
Coding change: c.452_453dup on transcript NM_005732.4 (MANE Select); coding-DNA positions 452 to 453, 2 bases duplicated (TA; older notation c.452_453dupTA).
Protein change: p.Asn152Ter; replaces asparagine 152 with a stop codon.
Molecular consequence: nonsense.
Genome position (GRCh38, 1-based): chr5:132,579,403-132,579,404, TA duplicated. VCF-style (leftmost placement, unchanged base first): chr5-132579402-C-CTA. GRCh37 (hg19) VCF-style: chr5-131915094-C-CTA.
Other names: c.452_453dupTA (NM_005732.3); short protein forms N152*.
Identifiers: ClinVar variation 567271 (VCV000567271.8), dbSNP rs1561635887, ClinGen allele CA891842978.

ClinVar aggregate classification (germline): Pathogenic/Likely pathogenic. Review status: criteria provided, multiple submitters, no conflicts (2 of 4 stars). 4 submissions from 4 submitters: Pathogenic (2); Likely pathogenic (1). 1 of the submissions does not count toward it. Last evaluated 2026-02-18.

Conditions:
RAD50-related disorder. Also called: RAD50-related condition.
Hereditary cancer-predisposing syndrome. Also called: Hereditary Cancer Syndrome; Neoplastic Syndromes, Hereditary; Tumor predisposition; Hereditary neoplastic syndrome. Identifiers: Orphanet 140162, MedGen C0027672, MeSH D009386, MONDO:0015356.
Nijmegen breakage syndrome-like disorder (NBSLD). Also called: MICROCEPHALY AND SPONTANEOUS CHROMOSOME INSTABILITY WITHOUT IMMUNODEFICIENCY; NBS-LIKE DISORDER; RAD50 DEFICIENCY. Identifiers: Orphanet 240760, MedGen C2751318, MONDO:0013118, OMIM 613078.
Familial cancer of breast. Also called: BREAST CANCER, FAMILIAL; Hereditary breast cancer; hereditary breast carcinoma. Identifiers: Orphanet 227535, MedGen C0346153, MONDO:0016419, OMIM 114480. Disease mechanism: loss of function.

Submissions (4):

PreventionGenetics, part of Exact Sciences
Classification: Likely pathogenic for RAD50-related condition. Last evaluated: 2026-02-18. Review status: criteria provided, single submitter. Criteria: ACMG Guidelines, 2015. Collection method: clinical testing. Allele origin: germline.
Comment: The RAD50 c.452_453dupTA variant is predicted to result in premature protein termination (p.Asn152*). To our knowledge, this variant has not been reported in the literature or in a large population database (gnomAD), indicating this variant is rare. Nonsense variants in RAD50 are expected to be pathogenic. This variant is interpreted as likely pathogenic.

KCCC/NGS Laboratory, Kuwait Cancer Control Center
Classification: Pathogenic for Familial cancer of breast. Last evaluated: 2023-07-07. Review status: criteria provided, single submitter. Criteria: ACMG Guidelines, 2015. Collection method: clinical testing. Allele origin: unknown. Affected: yes.
Comment: This sequence change creates a premature translational stop signal (p.Asn152*) in the RAD50 gene. It is expected to result in an absent or disrupted protein product. This variant is not present in population databases (gnomAD no frequency). This variant has not been reported in the literature in individuals with RAD50-related disease. Loss-of-function variants in RAD50 are known to be pathogenic (PMID: 16385572, 19409520). Therefore, this variant has been classified as Pathogenic.

Labcorp Genetics (formerly Invitae), Labcorp
Classification: Pathogenic for Hereditary cancer-predisposing syndrome. Last evaluated: 2021-12-24. Review status: criteria provided, single submitter. Criteria: Invitae Variant Classification Sherloc (09022015). Collection method: clinical testing. Allele origin: germline.
Comment: This sequence change creates a premature translational stop signal (p.Asn152*) in the RAD50 gene. It is expected to result in an absent or disrupted protein product. Loss-of-function variants in RAD50 are known to be pathogenic (PMID: 19409520). This variant is not present in population databases (gnomAD no frequency). This variant has not been reported in the literature in individuals affected with RAD50-related conditions. ClinVar contains an entry for this variant (Variation ID: 567271). For these reasons, this variant has been classified as Pathogenic.

Biochemical Molecular Genetic Laboratory, King Abdulaziz Medical City
Classification: Likely pathogenic for Nijmegen breakage syndrome-like disorder. Last evaluated: 2019-01-29. Review status: no assertion criteria provided. Collection method: clinical testing. Allele origin: germline. Affected: yes. Not counted in ClinVar's aggregate classification.

Literature cited by the submitters: PubMed 19409520 (cited by Labcorp Genetics (formerly Invitae), Labcorp).